The following is an entry in ClinVar:

ClinVar aggregate classification (germline): Benign/Likely benign. Review status: criteria provided, multiple submitters, no conflicts (2 of 4 stars). 3 submissions from 3 submitters: Benign (2); Likely benign (1). Last evaluated 2022-07-01.

Allele frequency attached by ClinVar (database versions not stated): 1000 Genomes Project 0.00140; 1000 Genomes Project 30x 0.00156; TOPMed 0.00311; gnomAD 0.00327 and 0.00337; ESP Exome Variant Server 0.00331.
gnomAD v4.1: 7,943 of 1,613,278 alleles (0.49%); highest among the groups gnomAD compares: Non-Finnish European, 0.6%; 29 homozygotes.

Submissions (3):

CeGaT Center for Human Genetics Tuebingen
Classification: Likely benign. Last evaluated: 2022-07-01. Review status: criteria provided, single submitter. Criteria: CeGaT Center For Human Genetics Tuebingen Variant Classification Criteria Version 2. Collection method: clinical testing. Allele origin: germline. Affected: yes. Observed: 1 variant allele.
Comment: ABCA8: BP4, BP7

Labcorp Genetics (formerly Invitae), Labcorp
Classification: Benign. Last evaluated: 2017-06-07. Review status: criteria provided, single submitter. Criteria: Invitae Variant Classification Sherloc (09022015). Collection method: clinical testing. Allele origin: germline.

Breakthrough Genomics
Classification: Benign. Review status: criteria provided, single submitter. Criteria: ACMG Guidelines, 2015. Collection method: not provided. Allele origin: germline. Inheritance: Unknown mechanism. Affected: yes.

NM_001288985.2(ABCA8):c.1626C>T (p.Ile542=)

Gene: ABCA8 (ATP binding cassette subfamily A member 8; minus strand). Cytogenetic location: 17q24.2.
Variant type: single nucleotide variant.
Coding change: c.1626C>T on transcript NM_001288985.2 (MANE Select); coding-DNA position 1626, C replaced by T.
Protein change: p.Ile542=; no amino-acid change (isoleucine 542 retained).
Molecular consequence: synonymous variant.
Genome position (GRCh38, 1-based): chr17:68,919,463, G>A on the plus strand (C>T on the coding strand, the complement: ABCA8 is on the minus strand). VCF-style: chr17-68919463-G-A. GRCh37 (hg19) VCF-style: chr17-66915604-G-A.
Other names: c.1626C>T, p.Ile542= (NM_001288986.2, NM_007168.4); c.1443C>T, p.Ile481= (NM_001375771.1); c.204C>T, p.Ile68= (NM_001375772.1).
Identifiers: ClinVar variation 778146 (VCV000778146.28), dbSNP rs148466160, ClinGen allele CA8731312.